The following is an entry in ClinVar:

ClinVar aggregate classification (germline): Uncertain significance (1 of 4 stars; one submission).

Submission:

Labcorp Genetics (formerly Invitae), Labcorp
Classification: Uncertain significance. Last evaluated: 2022-05-31. Review status: criteria provided, single submitter. Criteria: Invitae Variant Classification Sherloc (09022015). Collection method: clinical testing. Allele origin: germline.
Comment: In summary, the available evidence is currently insufficient to determine the role of this variant in disease. Therefore, it has been classified as a Variant of Uncertain Significance. Algorithms developed to predict the effect of missense changes on protein structure and function are either unavailable or do not agree on the potential impact of this missense change (SIFT: "Deleterious"; PolyPhen-2: "Benign"; Align-GVGD: "Class C35"). This variant has not been reported in the literature in individuals affected with FGD1-related conditions. This variant is not present in population databases (gnomAD no frequency). This sequence change replaces glutamic acid, which is acidic and polar, with aspartic acid, which is acidic and polar, at codon 334 of the FGD1 protein (p.Glu334Asp).

NM_004463.3(FGD1):c.1002G>C (p.Glu334Asp)

Gene: FGD1 (FYVE, RhoGEF and PH domain containing 1; minus strand). Cytogenetic location: Xp11.22.
Variant type: single nucleotide variant.
Coding change: c.1002G>C on transcript NM_004463.3 (MANE Select); coding-DNA position 1002, G replaced by C.
Protein change: p.Glu334Asp; replaces glutamic acid 334 with aspartic acid.
Molecular consequence: missense variant.
Genome position (GRCh38, 1-based): chrX:54,470,115, C>G on the plus strand (G>C on the coding strand, the complement: FGD1 is on the minus strand). VCF-style: chrX-54470115-C-G. GRCh37 (hg19) VCF-style: chrX-54496548-C-G.
Other names: short protein forms E334D.
Identifiers: ClinVar variation 2121609 (VCV002121609.4), dbSNP rs2522714711, ClinGen allele CA413247858.